The following is an entry in ClinVar:

ClinVar aggregate classification (germline): Uncertain significance. Review status: criteria provided, multiple submitters, no conflicts (2 of 4 stars). 2 submissions from 2 submitters: Uncertain significance (2). Last evaluated 2024-12-25.

Conditions:
Inborn genetic diseases. Identifiers: MedGen C0950123, MeSH D030342.

Allele frequency attached by ClinVar (database versions not stated): TOPMed below 0.00001.

Submissions (2):

Ambry Genetics
Classification: Uncertain significance for Inborn genetic diseases. Last evaluated: 2024-12-25. Review status: criteria provided, single submitter. Criteria: Ambry Variant Classification Scheme 2023. Collection method: clinical testing. Allele origin: germline.

Labcorp Genetics (formerly Invitae), Labcorp
Classification: Uncertain significance. Last evaluated: 2022-05-09. Review status: criteria provided, single submitter. Criteria: Invitae Variant Classification Sherloc (09022015). Collection method: clinical testing. Allele origin: germline.
Comment: In summary, the available evidence is currently insufficient to determine the role of this variant in disease. Therefore, it has been classified as a Variant of Uncertain Significance. Algorithms developed to predict the effect of missense changes on protein structure and function output the following: SIFT: "Deleterious"; PolyPhen-2: "Possibly Damaging"; Align-GVGD: "Class C0". The arginine amino acid residue is found in multiple mammalian species, which suggests that this missense change does not adversely affect protein function. This variant has not been reported in the literature in individuals affected with EYS-related conditions. This variant is not present in population databases (gnomAD no frequency). This sequence change replaces proline, which is neutral and non-polar, with arginine, which is basic and polar, at codon 75 of the EYS protein (p.Pro75Arg).

NM_001142800.2(EYS):c.224C>G (p.Pro75Arg)

Gene: EYS (EGF-like photoreceptor maintenance factor; minus strand). Cytogenetic location: 6q12.
Variant type: single nucleotide variant.
Coding change: c.224C>G on transcript NM_001142800.2 (MANE Select); coding-DNA position 224, C replaced by G.
Protein change: p.Pro75Arg; replaces proline 75 with arginine.
Molecular consequence: missense variant.
Genome position (GRCh38, 1-based): chr6:65,495,187, G>C on the plus strand (C>G on the coding strand, the complement: EYS is on the minus strand). VCF-style: chr6-65495187-G-C. GRCh37 (hg19) VCF-style: chr6-66205080-G-C.
Other names: c.224C>G (NM_001142800.1); c.224C>G, p.Pro75Arg (NM_001292009.2, NM_198283.2, NM_001142801.2); short protein forms P75R.
Identifiers: ClinVar variation 2075885 (VCV002075885.5), dbSNP rs1766205632, ClinGen allele CA364790375.